The following is an entry in ClinVar:

ClinVar aggregate classification (germline): Uncertain significance (1 of 4 stars; one submission).

Conditions:
Inborn genetic diseases. Identifiers: MedGen C0950123, MeSH D030342.

gnomAD v4.1: 1 of 1,614,194 alleles (0.000062%); highest among the groups gnomAD compares: Non-Finnish European, 0.000085%; no homozygotes.

Submission:

Ambry Genetics
Classification: Uncertain significance for Inborn genetic diseases. Last evaluated: 2025-07-07. Review status: criteria provided, single submitter. Criteria: Ambry Variant Classification Scheme 2023. Collection method: clinical testing. Allele origin: germline.
Comment: The p.N304I variant (also known as c.911A>T), located in coding exon 6 of the ASPA gene, results from an A to T substitution at nucleotide position 911. The asparagine at codon 304 is replaced by isoleucine, an amino acid with dissimilar properties. This amino acid position is conserved. In addition, the in silico prediction for this alteration is inconclusive. Based on the available evidence, the clinical significance of this variant remains unclear.

NM_000049.4(ASPA):c.911A>T (p.Asn304Ile)

Genes: ASPA (aspartoacylase; plus strand), SPATA22 (spermatogenesis associated 22; minus strand). Cytogenetic location: 17p13.2.
Variant type: single nucleotide variant.
Coding change: c.911A>T on transcript NM_000049.4 (MANE Select); coding-DNA position 911, A replaced by T.
Protein change: p.Asn304Ile; replaces asparagine 304 with isoleucine.
Molecular consequence: missense variant. On other transcripts: intron variant (2).
Genome position (GRCh38, 1-based): chr17:3,499,057, A>T. VCF-style: chr17-3499057-A-T. GRCh37 (hg19) VCF-style: chr17-3402351-A-T.
Other names: c.911A>T, p.Asn304Ile (NM_001128085.1); c.-74+14355T>A (NM_001321336.2, NM_001321337.2); short protein forms N304I.
Identifiers: ClinVar variation 4155232 (VCV004155232.1).